The following is an entry in ClinVar:

ClinVar aggregate classification (germline): Uncertain significance. Review status: criteria provided, multiple submitters, no conflicts (2 of 4 stars). 3 submissions from 3 submitters: Uncertain significance (3). Last evaluated 2025-10-08.

Conditions:
Inborn genetic diseases. Identifiers: MedGen C0950123, MeSH D030342.

Allele frequency attached by ClinVar (database versions not stated): gnomAD 0.00001; TOPMed 0.00001.
gnomAD v4.1: 1 of 1,614,026 alleles (0.000062%); no homozygotes.

Submissions (3):

Ambry Genetics
Classification: Uncertain significance for Inborn genetic diseases. Last evaluated: 2025-10-08. Review status: criteria provided, single submitter. Criteria: Ambry Variant Classification Scheme 2023. Collection method: clinical testing. Allele origin: germline.

Mayo Clinic Laboratories, Mayo Clinic
Classification: Uncertain significance. Last evaluated: 2025-01-19. Review status: criteria provided, single submitter. Criteria: ACMG Guidelines, 2015. Collection method: clinical testing. Allele origin: germline. Observed: 1 variant allele.
Comment: BP4, PM2_supporting

Labcorp Genetics (formerly Invitae), Labcorp
Classification: Uncertain significance. Last evaluated: 2024-11-25. Review status: criteria provided, single submitter. Criteria: Invitae Variant Classification Sherloc (09022015). Collection method: clinical testing. Allele origin: germline.
Comment: This sequence change replaces threonine, which is neutral and polar, with serine, which is neutral and polar, at codon 85 of the CSF1R protein (p.Thr85Ser). This variant is not present in population databases (gnomAD no frequency). This variant has not been reported in the literature in individuals affected with CSF1R-related conditions. ClinVar contains an entry for this variant (Variation ID: 1418525). Invitae Evidence Modeling of protein sequence and biophysical properties (such as structural, functional, and spatial information, amino acid conservation, physicochemical variation, residue mobility, and thermodynamic stability) indicates that this missense variant is not expected to disrupt CSF1R protein function with a negative predictive value of 95%. In summary, the available evidence is currently insufficient to determine the role of this variant in disease. Therefore, it has been classified as a Variant of Uncertain Significance.

NM_001288705.3(CSF1R):c.253A>T (p.Thr85Ser)

Gene: CSF1R (colony stimulating factor 1 receptor; minus strand). Cytogenetic location: 5q32.
Variant type: single nucleotide variant.
Coding change: c.253A>T on transcript NM_001288705.3 (MANE Select); coding-DNA position 253, A replaced by T.
Protein change: p.Thr85Ser; replaces threonine 85 with serine.
Molecular consequence: missense variant. On other transcripts: 5 prime UTR variant (1), non-coding transcript variant (2).
Genome position (GRCh38, 1-based): chr5:150,080,821, T>A on the plus strand (A>T on the coding strand, the complement: CSF1R is on the minus strand). VCF-style: chr5-150080821-T-A. GRCh37 (hg19) VCF-style: chr5-149460384-T-A.
Other names: p.Thr85Ser; c.253A>T (NM_005211.3); c.253A>T, p.Thr85Ser (NM_001349736.2, NM_001375320.1, NM_005211.4); c.-192A>T (NM_001375321.1); short protein forms T85S.
Identifiers: ClinVar variation 1418525 (VCV001418525.9), dbSNP rs1402591976, ClinGen allele CA361736016.
Genomic context (GRCh38, chr5:150,080,821, plus strand): 5'-CCTCACCTTTGACATAGAGGTGGATGGCGGCGCTGCCTCCCAGGGGGTCTCCAGGCTCAG[T>A]GCAGCGATAGGTCCCCGTGTTTTGGAAGGTAGCGTTGTTGGTGCTGAGGATGCTGCTGGA-3'
Protein context (NP_001275634.1, residues 75-95): TFQNTGTYRC[Thr85Ser]EPGDPLGGSA